The following is an entry in ClinVar:

ClinVar aggregate classification (germline): Uncertain risk allele (1 of 4 stars; one submission).

Conditions:
Wolfram syndrome 1 (WFS1). Identifiers: Orphanet 3463, MedGen C4551693, MONDO:0009101, OMIM 222300.

Submission:

Clinical Genomics, Uppaluri K&H Personalized Medicine Clinic
Classification: Uncertain risk allele for Wolfram syndrome 1. Review status: criteria provided, single submitter. Criteria: K & H Uppaluri Personalized Medicine Clinic Variant Classification & Assertion Criteria_Updated V.1. Collection method: research. Allele origin: unknown. Inheritance: Autosomal recessive inheritance.
Comment: Potent mutations in WFS1 gene are associated with Wolfram's syndrome, an autosomal recessive condition, which cause diabetes mellitus, diabetes insipidus, deafness and optic atrophy.However no sufficient evidence is found to ascertain the role of this particular variant rs1730936563 in Wolfram's syndrome yet.

Literature cited by the submitters: PubMed 20738327; PubMed 33879153; PubMed 12955714; PubMed 20301750; PubMed 18060660; PubMed 17603484.

NM_006005.3(WFS1):c.2030C>G (p.Ala677Gly)

Gene: WFS1 (wolframin ER transmembrane glycoprotein; plus strand). Cytogenetic location: 4p16.1.
Variant type: single nucleotide variant.
Coding change: c.2030C>G on transcript NM_006005.3 (MANE Select); coding-DNA position 2030, C replaced by G.
Protein change: p.Ala677Gly; replaces alanine 677 with glycine.
Molecular consequence: missense variant.
Genome position (GRCh38, 1-based): chr4:6,301,825, C>G. VCF-style: chr4-6301825-C-G. GRCh37 (hg19) VCF-style: chr4-6303552-C-G.
Other names: c.2030C>G, p.Ala677Gly (NM_001145853.1); short protein forms A677G.
Identifiers: ClinVar variation 2429739 (VCV002429739.1), dbSNP rs1730936563, ClinGen allele CA356177560.